The following is an entry in ClinVar:

ClinVar aggregate classification (germline): Conflicting classifications of pathogenicity. Review status: criteria provided, conflicting classifications (1 of 4 stars). 3 submissions from 3 submitters: Uncertain significance (1); Likely benign (2). Last evaluated 2025-10-14.

Allele frequency attached by ClinVar (database versions not stated): ExAC 0.00004; gnomAD 0.00005 and 0.00006; TOPMed 0.00006; gnomAD exomes 0.00007 and 0.00011.
gnomAD v4.1: 170 of 1,613,976 alleles (0.011%); highest among the groups gnomAD compares: Non-Finnish European, 0.012%; no homozygotes.

Submissions (3):

Labcorp Genetics (formerly Invitae), Labcorp
Classification: Likely benign. Last evaluated: 2025-10-14. Review status: criteria provided, single submitter. Criteria: Invitae Variant Classification Sherloc (09022015). Collection method: clinical testing. Allele origin: germline.

Blueprint Genetics
Classification: Likely benign. Last evaluated: 2024-11-26. Review status: criteria provided, single submitter. Criteria: ACMG Guidelines, 2015. Collection method: clinical testing. Allele origin: germline.

GeneDx
Classification: Uncertain significance. Last evaluated: 2023-11-06. Review status: criteria provided, single submitter. Criteria: GeneDx Variant Classification Process June 2021. Collection method: clinical testing. Allele origin: germline. Affected: yes.
Comment: Has not been previously published as pathogenic or benign to our knowledge; In silico analysis suggests this variant may impact gene splicing. In the absence of RNA/functional studies, the actual effect of this sequence change is unknown.

NM_001083961.2(WDR62):c.1842G>A (p.Ser614=)

Gene: WDR62 (WD repeat domain 62; plus strand). Cytogenetic location: 19q13.12.
Variant type: single nucleotide variant.
Coding change: c.1842G>A on transcript NM_001083961.2 (MANE Select); coding-DNA position 1842, G replaced by A.
Protein change: p.Ser614=; no amino-acid change (serine 614 retained).
Molecular consequence: synonymous variant.
Genome position (GRCh38, 1-based): chr19:36,089,190, G>A. VCF-style: chr19-36089190-G-A. GRCh37 (hg19) VCF-style: chr19-36580092-G-A.
Other names: c.1842G>A, p.Ser614= (NM_173636.5).
Identifiers: ClinVar variation 385827 (VCV000385827.13), dbSNP rs752207581, ClinGen allele CA9395764.